The following is an entry in ClinVar:

NM_000381.4(MID1):c.551A>G (p.Asn184Ser)

Gene: MID1 (midline 1; minus strand). Cytogenetic location: Xp22.2.
Variant type: single nucleotide variant.
Coding change: c.551A>G on transcript NM_000381.4 (MANE Select); coding-DNA position 551, A replaced by G.
Protein change: p.Asn184Ser; replaces asparagine 184 with serine.
Molecular consequence: missense variant. On other transcripts: intron variant (2).
Genome position (GRCh38, 1-based): chrX:10,566,997, T>C on the plus strand (A>G on the coding strand, the complement: MID1 is on the minus strand). VCF-style: chrX-10566997-T-C. GRCh37 (hg19) VCF-style: chrX-10535037-T-C.
Other names: c.551A>G, p.Asn184Ser (NM_001098624.2, NM_001193277.1, NM_001193278.1 and 3 more transcripts); c.546+5A>G (NM_033289.2, NM_001193280.1); short protein forms N184S.
Identifiers: ClinVar variation 4741895 (VCV004741895.1).

ClinVar aggregate classification (germline): Uncertain significance (1 of 4 stars; one submission).

Submission:

Labcorp Genetics (formerly Invitae), Labcorp
Classification: Uncertain significance. Last evaluated: 2025-09-13. Review status: criteria provided, single submitter. Criteria: Invitae Variant Classification Sherloc (09022015). Collection method: clinical testing. Allele origin: germline.
Comment: This sequence change replaces asparagine, which is neutral and polar, with serine, which is neutral and polar, at codon 184 of the MID1 protein (p.Asn184Ser). This variant is not present in population databases (gnomAD no frequency). This variant has not been reported in the literature in individuals affected with MID1-related conditions. Invitae Evidence Modeling of protein sequence and biophysical properties (such as structural, functional, and spatial information, amino acid conservation, physicochemical variation, residue mobility, and thermodynamic stability) indicates that this missense variant is not expected to disrupt MID1 protein function with a negative predictive value of 80%. Algorithms developed to predict the effect of sequence changes on RNA splicing suggest that this variant may disrupt the consensus splice site. In summary, the available evidence is currently insufficient to determine the role of this variant in disease. Therefore, it has been classified as a Variant of Uncertain Significance.